The following is an entry in ClinVar:

ClinVar aggregate classification (germline): Likely benign (1 of 4 stars; one submission).

Allele frequency attached by ClinVar (database versions not stated): gnomAD exomes below 0.00001.
gnomAD v4.1: 1 of 1,614,064 alleles (0.000062%); highest among the groups gnomAD compares: Admixed American, 0.0017%; no homozygotes.

Submission:

GeneDx
Classification: Likely benign. Last evaluated: 2018-03-13. Review status: criteria provided, single submitter. Criteria: GeneDx Variant Classification (06012015). Collection method: clinical testing. Allele origin: germline. Affected: yes.
Comment: This variant is considered likely benign or benign based on one or more of the following criteria: it is a conservative change, it occurs at a poorly conserved position in the protein, it is predicted to be benign by multiple in silico algorithms, and/or has population frequency not consistent with disease.

NM_170682.4(P2RX2):c.942C>A (p.Thr314=)

Gene: P2RX2 (purinergic receptor P2X 2; plus strand). Cytogenetic location: 12q24.33.
Variant type: single nucleotide variant.
Coding change: c.942C>A on transcript NM_170682.4 (MANE Select); coding-DNA position 942, C replaced by A.
Protein change: p.Thr314=; no amino-acid change (threonine 314 retained).
Molecular consequence: synonymous variant.
Genome position (GRCh38, 1-based): chr12:132,621,291, C>A. VCF-style: chr12-132621291-C-A. GRCh37 (hg19) VCF-style: chr12-133197877-C-A.
Other names: c.840C>A, p.Thr280= (NM_001282164.2); c.942C>A, p.Thr314= (NM_001282165.2, NM_170683.4, NM_174873.3); c.726C>A, p.Thr242= (NM_012226.5); c.870C>A, p.Thr290= (NM_016318.4); c.666C>A, p.Thr222= (NM_174872.3).
Identifiers: ClinVar variation 679961 (VCV000679961.1), dbSNP rs1377461462, ClinGen allele CA482848132.